The following is an entry in ClinVar:

ClinVar aggregate classification (germline): Benign/Likely benign. Review status: criteria provided, multiple submitters, no conflicts (2 of 4 stars). 5 submissions from 5 submitters: Benign (2); Likely benign (3). Last evaluated 2026-02-01.

Conditions:
Age related macular degeneration 1 (ARMD1). Also called: MACULOPATHY, AGE-RELATED, 1. Identifiers: MedGen C1864205, MONDO:0011285, OMIM 603075.

Allele frequency attached by ClinVar (database versions not stated): gnomAD exomes 0.00018 and 0.00047; ExAC 0.00062; gnomAD 0.00173 and 0.00191; TOPMed 0.00189; 1000 Genomes Project 30x 0.00250; ESP Exome Variant Server 0.00254; 1000 Genomes Project 0.00280.
gnomAD v4.1: 552 of 1,613,434 alleles (0.034%); highest among the groups gnomAD compares: African/African-American, 0.62%; 2 homozygotes.

Submissions (5):

Labcorp Genetics (formerly Invitae), Labcorp
Classification: Benign. Last evaluated: 2026-02-01. Review status: criteria provided, single submitter. Criteria: Invitae Variant Classification Sherloc (09022015). Collection method: clinical testing. Allele origin: germline.

Blueprint Genetics
Classification: Likely benign. Last evaluated: 2024-11-25. Review status: criteria provided, single submitter. Criteria: ACMG Guidelines, 2015. Collection method: clinical testing. Allele origin: germline.

Genome-Nilou Lab
Classification: Benign for Age related macular degeneration 1. Last evaluated: 2023-04-11. Review status: criteria provided, single submitter. Criteria: ACMG Guidelines, 2015. Collection method: clinical testing. Allele origin: germline. Affected: no.

Illumina Laboratory Services, Illumina
Classification: Likely benign for Age related macular degeneration 1. Last evaluated: 2018-01-12. Review status: criteria provided, single submitter. Criteria: ICSL Variant Classification Criteria 13 December 2019. Collection method: clinical testing. Allele origin: germline.
Comment: This variant was observed in the ICSL laboratory as part of a predisposition screen in an ostensibly healthy population. It had not been previously curated by ICSL or reported in the Human Gene Mutation Database (HGMD: prior to June 1st, 2018), and was therefore a candidate for classification through an automated scoring system. Utilizing variant allele frequency, disease prevalence and penetrance estimates, and inheritance mode, an automated score was calculated to assess if this variant is too frequent to cause the disease. Based on the score and internal cut-off values, a variant classified as likely benign is not then subjected to further curation. The score for this variant resulted in a classification of likely benign for this disease.

Breakthrough Genomics
Classification: Likely benign. Review status: criteria provided, single submitter. Criteria: ACMG Guidelines, 2015. Collection method: not provided. Allele origin: germline. Inheritance: Autosomal dominant inheritance. Affected: yes.

NM_031935.3(HMCN1):c.6063G>A (p.Val2021=)

Gene: HMCN1 (hemicentin 1; plus strand). Cytogenetic location: 1q31.1.
Variant type: single nucleotide variant.
Coding change: c.6063G>A on transcript NM_031935.3 (MANE Select); coding-DNA position 6063, G replaced by A.
Protein change: p.Val2021=; no amino-acid change (valine 2021 retained).
Molecular consequence: synonymous variant.
Genome position (GRCh38, 1-based): chr1:186,039,762, G>A. VCF-style: chr1-186039762-G-A. GRCh37 (hg19) VCF-style: chr1-186008894-G-A.
Identifiers: ClinVar variation 294170 (VCV000294170.16), dbSNP rs144776594, ClinGen allele CA1292454.